The following is an entry in ClinVar:

NM_001114753.3(ENG):c.899T>C (p.Leu300Pro)

Gene: ENG (endoglin; minus strand). Cytogenetic location: 9q34.11.
Variant type: single nucleotide variant.
Coding change: c.899T>C on transcript NM_001114753.3 (MANE Select); coding-DNA position 899, T replaced by C.
Protein change: p.Leu300Pro; replaces leucine 300 with proline.
Molecular consequence: missense variant.
Genome position (GRCh38, 1-based): chr9:127,824,892, A>G on the plus strand (T>C on the coding strand, the complement: ENG is on the minus strand). VCF-style: chr9-127824892-A-G. GRCh37 (hg19) VCF-style: chr9-130587171-A-G.
Other names: c.899T>C, p.Leu300Pro (NM_000118.4, NM_001406715.1); c.353T>C, p.Leu118Pro (NM_001278138.2); short protein forms L300P, L118P.
Identifiers: ClinVar variation 618623 (VCV000618623.21), dbSNP rs1335718486, ClinGen allele CA374982452.

ClinVar aggregate classification (germline): Pathogenic/Likely pathogenic. Review status: criteria provided, multiple submitters, no conflicts (2 of 4 stars). 6 submissions from 6 submitters: Pathogenic (2); Likely pathogenic (4). Last evaluated 2025-10-29.

Conditions:
Hereditary hemorrhagic telangiectasia (HHT). Also called: ORW DISEASE; Osler Weber Rendu syndrome; OSLER-RENDU-WEBER DISEASE; Osler hemorrhagic telangiectasia syndrome. Identifiers: Orphanet 774, MedGen C0039445, MONDO:0019180. Disease mechanism: loss of function.
Cardiovascular phenotype. Identifiers: MedGen CN230736.
Telangiectasia, hereditary hemorrhagic, type 1 (HHT1). Also called: Osler Weber Rendu syndrome type 1; ENG-Related Hereditary Hemorrhagic Telangiectasia. Identifiers: Orphanet 774, MedGen C4551861, MONDO:0008535, OMIM 187300. Disease mechanism: loss of function.

Allele frequency attached by ClinVar (database versions not stated): TOPMed 0.00001; gnomAD exomes below 0.00001.
gnomAD v4.1: 2 of 1,613,510 alleles (0.00012%); highest among the groups gnomAD compares: Non-Finnish European, 0.00017%; no homozygotes.

Submissions (6):

Labcorp Genetics (formerly Invitae), Labcorp
Classification: Pathogenic for Hereditary hemorrhagic telangiectasia. Last evaluated: 2025-10-29. Review status: criteria provided, single submitter. Criteria: Invitae Variant Classification Sherloc (09022015). Collection method: clinical testing. Allele origin: germline.
Comment: This sequence change replaces leucine, which is neutral and non-polar, with proline, which is neutral and non-polar, at codon 300 of the ENG protein (p.Leu300Pro). This variant is not present in population databases (gnomAD no frequency). This missense change has been observed in individual(s) with hereditary hemorrhagic telangiectasia (PMID: 17384219, 18495117, 32573726). It has also been observed to segregate with disease in related individuals. ClinVar contains an entry for this variant (Variation ID: 618623). Invitae Evidence Modeling of protein sequence and biophysical properties (such as structural, functional, and spatial information, amino acid conservation, physicochemical variation, residue mobility, and thermodynamic stability) has been performed for this missense variant. However, the output from this modeling did not meet the statistical confidence thresholds required to predict the impact of this variant on ENG protein function. For these reasons, this variant has been classified as Pathogenic.

Ambry Genetics
Classification: Likely pathogenic for Cardiovascular phenotype. Last evaluated: 2025-08-19. Review status: criteria provided, single submitter. Criteria: Ambry Variant Classification Scheme 2023. Collection method: clinical testing. Allele origin: germline.
Comment: The p.L300P variant (also known as c.899T>C), located in coding exon 7 of the ENG gene, results from a T to C substitution at nucleotide position 899. The leucine at codon 300 is replaced by proline, an amino acid with similar properties. This variant was identified in one or more individuals with features consistent with hereditary hemorrhagic telangiectasia and segregated with disease in at least one family (Gedge F et al. J Mol Diagn, 2007 Apr;9:258-65; Bayrak-Toydemir P, Exp. Mol. Pathol. 2008 Aug; 85(1):45-9; Shovlin CL et al. Blood. 2020 10;136(17):1907-1918; Ambry internal data). Based on internal structural analysis, this variant is anticipated to disrupt a region of known function and is more disruptive than known pathogenic variants (Nolan-Stevaux O et al. PLoS ONE, 2012 Dec;7:e50920; Saito T et al. Cell Rep, 2017 05;19:1917-1928). This amino acid position is not well conserved in available vertebrate species. In addition, the in silico prediction for this alteration is inconclusive. This variant is considered to be rare based on population cohorts in the Genome Aggregation Database (gnomAD). Based on the majority of available evidence to date, this variant is likely to be pathogenic.

GeneDx
Classification: Likely pathogenic. Last evaluated: 2024-06-24. Review status: criteria provided, single submitter. Criteria: GeneDx Variant Classification Process June 2021. Collection method: clinical testing. Allele origin: germline. Affected: yes.
Comment: Identified in patients with HHT referred for genetic testing at GeneDx and in published literature (PMID: 18495117, 17384219, 32573726); Not observed at significant frequency in large population cohorts (gnomAD); In silico analysis supports that this missense variant has a deleterious effect on protein structure/function; This variant is associated with the following publications: (PMID: 32573726, 17384219, 18495117)

Mayo Clinic Laboratories, Mayo Clinic
Classification: Likely pathogenic. Last evaluated: 2023-02-22. Review status: criteria provided, single submitter. Criteria: ACMG Guidelines, 2015. Collection method: clinical testing. Allele origin: germline. Observed: 1 variant allele.
Comment: PP1_strong, PM2_supporting, PS4_moderate

NIHR Bioresource Rare Diseases, University of Cambridge
Classification: Likely pathogenic for Telangiectasia, hereditary hemorrhagic, type 1. Last evaluated: 2018-01-01. Review status: criteria provided, single submitter. Criteria: ACMG Guidelines, 2015. Collection method: research. Allele origin: unknown. Affected: yes. Observed: 1 variant allele.
Comment: PM2+PM1+PP4+PP5

ARUP Laboratories, Molecular Genetics and Genomics, ARUP Laboratories
Classification: Pathogenic. Last evaluated: 2017-09-22. Review status: criteria provided, single submitter. Criteria: ARUP Molecular Germline Variant Investigation Process. Collection method: clinical testing. Allele origin: germline.
Comment: The ENG c.899T>C, p.Leu300Pro variant has been reported in a family affected with hereditary hemorrhagic telangiectasia (Gedge 2007), segregating with the disease in multiple family members (Bayrak-Toydemir 2008). It is not observed in the general population databases, such as the 1000 Genomes Project, the Exome Variant Server, or the Genome Aggregation Database. The leucine at residue 300 is moderately conserved, and computational algorithms (Align GV/GD, PolyPhen-2, SIFT) predict that the variant has an impact on the protein. Based on the above information, the variant is classified as pathogenic. REFERENCES Bayrak-Toydemir P et al. Likelihood ratios to assess genetic evidence for clinical significance of uncertain variants: hereditary hemorrhagic telangiectasia as a model. Exp Mol Pathol. 2008 Aug;85(1):45-9. Gedge F et al. Clinical and analytical sensitivities in hereditary hemorrhagic telangiectasia testing and a report of de novo mutations. J Mol Diagn. 2007 Apr;9(2):258-65.

Literature cited by the submitters: PubMed 17384219 (cited by 3 submitters); PubMed 18495117 (cited by 3 submitters); PubMed 32573726 (cited by 4 submitters); PubMed 28564608 (cited by Ambry Genetics); PubMed 34900561 (cited by Ambry Genetics).